The following is an entry in ClinVar:

ClinVar aggregate classification (germline): Conflicting classifications of pathogenicity. Review status: criteria provided, conflicting classifications (1 of 4 stars). 4 submissions from 3 submitters: Likely pathogenic (2); Uncertain significance (2). Last evaluated 2020-10-13.

Conditions:
Inborn genetic diseases. Identifiers: MedGen C0950123, MeSH D030342.
Intellectual developmental disorder, autosomal dominant 6, with or without seizures. Also called: Intellectual disability, autosomal dominant 6; GRIN2B-related developmental delay, intellectual disability and autism spectrum disorder. Identifiers: Orphanet 589547, MedGen C3151411, MONDO:0013509, OMIM 613970.
Developmental and epileptic encephalopathy, 27 (DEE27). Also called: Epileptic encephalopathy, early infantile, 27; GRIN2B-Related Neurodevelopmental Disorder. Identifiers: Orphanet 3451, MedGen C4015316, MONDO:0014505, OMIM 616139.

Submissions (4):

Ambry Genetics
Classification: Uncertain significance for Inborn genetic diseases. Last evaluated: 2020-10-13. Review status: criteria provided, single submitter. Criteria: Ambry Variant Classification Scheme 2023. Collection method: clinical testing. Allele origin: germline.
Comment: The p.N817S variant (also known as c.2450A>G), located in coding exon 11 of the GRIN2B gene, results from an A to G substitution at nucleotide position 2450. The asparagine at codon 817 is replaced by serine, an amino acid with highly similar properties. This amino acid position is highly conserved in available vertebrate species. In addition, this alteration is predicted to be tolerated by in silico analysis. Since supporting evidence is limited at this time, the clinical significance of this alteration remains unclear.

GeneDx
Classification: Likely pathogenic. Last evaluated: 2018-06-01. Review status: criteria provided, single submitter. Criteria: GeneDx Variant Classification (06012015). Collection method: clinical testing. Allele origin: germline. Affected: yes.
Comment: A variant that is likely pathogenic has been identified in the GRIN2B gene. The N817S variant has not been published as a pathogenic variant, nor has it been reported as a benign variant to our knowledge. The N817S variant is not observed in large population cohorts (Lek et al., 2016). In-silico analyses, including protein predictors and evolutionary conservation, support a deleterious effect. Missense variants in nearby residues have been reported in the Human Gene Mutation Database in individuals with GRIN2B-related disorders (Stenson et al., 2014). However, the N817S variant is a conservative amino acid substitution, which is not likely to impact secondary protein structure as these residues share similar properties. Therefore, this variant is likely pathogenic; however, the possibility that it is benign cannot be excluded.

Baylor Genetics
Classification: Uncertain significance for Developmental and epileptic encephalopathy, 27. Last evaluated: 2017-09-01. Review status: criteria provided, single submitter. Criteria: ACMG Guidelines, 2015. Collection method: clinical testing. Allele origin: de novo. Inheritance: Autosomal dominant inheritance. Affected: yes.

Baylor Genetics
Classification: Likely pathogenic for Intellectual developmental disorder, autosomal dominant 6, with or without seizures. Review status: criteria provided, single submitter. Criteria: ACMG Guidelines, 2015. Collection method: clinical testing. Allele origin: unknown.

Literature cited by the submitters: PubMed 25326635 (cited by Baylor Genetics).

NM_000834.5(GRIN2B):c.2450A>G (p.Asn817Ser)

Gene: GRIN2B (glutamate ionotropic receptor NMDA type subunit 2B; minus strand). Cytogenetic location: 12p13.1.
Variant type: single nucleotide variant.
Coding change: c.2450A>G on transcript NM_000834.5 (MANE Select); coding-DNA position 2450, A replaced by G.
Protein change: p.Asn817Ser; replaces asparagine 817 with serine.
Molecular consequence: missense variant.
Genome position (GRCh38, 1-based): chr12:13,567,173, T>C on the plus strand (A>G on the coding strand, the complement: GRIN2B is on the minus strand). VCF-style: chr12-13567173-T-C. GRCh37 (hg19) VCF-style: chr12-13720107-T-C.
Other names: short protein forms N817S.
Identifiers: ClinVar variation 546556 (VCV000546556.6), dbSNP rs1555103159, ClinGen allele CA383996419.
Genomic context (GRCh38, chr12:13,567,173, plus strand): 5'-ATGAAGGTGATGAGGCTGAGAGCCATGGCCGCCCCCAACATGTAGAAGACCCCTGCCATG[T>C]TGTCAATGTCCAGCTGGCTGCTCATGACCTCATTCTTCTCATTGTGACAAATGCCAGTGA-3'
Protein context (NP_000825.2, residues 807-827): EVMSSQLDID[Asn817Ser]MAGVFYMLGA